The following is an entry in ClinVar:

NM_015272.5(RPGRIP1L):c.529+2del

Gene: RPGRIP1L (RPGRIP1 like; minus strand). Cytogenetic location: 16q12.2.
Variant type: Deletion.
Coding change: c.529+2del on transcript NM_015272.5 (MANE Select); the canonical splice donor site of the intron after coding-DNA position 529, one base deleted (T; older notation c.529+2delT).
Molecular consequence: splice donor variant.
Genome position (GRCh38, 1-based): chr16:53,692,064, A deleted on the plus strand (T on the coding strand, the reverse complement: RPGRIP1L is on the minus strand). VCF-style (leftmost placement, unchanged base first): chr16-53692063-TA-T. GRCh37 (hg19) VCF-style: chr16-53725975-TA-T.
Other names: c.529+2del (NM_001127897.4, NM_001330538.2, NM_001308334.3).
Identifiers: ClinVar variation 4815848 (VCV004815848.1).
Genomic context (GRCh38, chr16:53,692,063, plus strand): 5'-TTTTTTTTGTGTTAAACAATCTAATAAGACTTCAGTTTAGATTTAACGTAAGCTTTGTTT[TA>T]CCTTTCCTGGGGCATTCCTGTAAACCAGCATTTTCATTTGCTTTTCTACGCCCAGTGTTA-3'

ClinVar aggregate classification (germline): Likely pathogenic (1 of 4 stars; one submission).

Conditions:
Joubert syndrome. Also called: Familial aplasia of the vermis; JOUBERT-BOLTSHAUSER SYNDROME; CEREBELLOPARENCHYMAL DISORDER IV. Identifiers: Orphanet 475, MedGen C5979921, MONDO:0018772.

Submission:

Natera, Inc.
Classification: Likely pathogenic for Joubert syndrome. Last evaluated: 2025-08-17. Review status: criteria provided, single submitter. Criteria: Natera Variant Classification Schema (03/2026). Collection method: clinical testing. Allele origin: germline.
Comment: The c.529+2del variant in RPGRIP1L is a canonical splice donor site variant predicted to affect pre-mRNA splicing, which may result in an abnormal transcript and altered protein product. This variant is expected to result in nonsense mediated decay, truncation, or a dysfunctional protein product. This variant is rare in the general population with a frequency below the threshold expected for the associated phenotype(s). Given the available evidence, this variant is classified as Likely Pathogenic.